The following is an entry in ClinVar:

NM_001042492.3(NF1):c.3482T>A (p.Leu1161His)

Gene: NF1 (neurofibromin 1; plus strand). Cytogenetic location: 17q11.2.
Variant type: single nucleotide variant.
Coding change: c.3482T>A on transcript NM_001042492.3 (MANE Select); coding-DNA position 3482, T replaced by A.
Protein change: p.Leu1161His; replaces leucine 1161 with histidine.
Molecular consequence: missense variant.
Genome position (GRCh38, 1-based): chr17:31,232,867, T>A. VCF-style: chr17-31232867-T-A. GRCh37 (hg19) VCF-style: chr17-29559885-T-A.
Other names: c.3482T>A, p.Leu1161His (NM_000267.4); short protein forms L1161H.
Identifiers: ClinVar variation 3343385 (VCV003343385.1).

ClinVar aggregate classification (germline): Uncertain significance (1 of 4 stars; one submission).

Submission:

GeneDx
Classification: Uncertain significance. Last evaluated: 2023-06-02. Review status: criteria provided, single submitter. Criteria: GeneDx Variant Classification Process June 2021. Collection method: clinical testing. Allele origin: germline. Affected: yes.
Comment: Not observed at significant frequency in large population cohorts (gnomAD); In silico analysis supports that this missense variant has a deleterious effect on protein structure/function; Has not been previously published as pathogenic or benign to our knowledge; This variant is associated with the following publications: (PMID: 25486365, 2121369, 22807134)